The following is an entry in ClinVar:

ClinVar aggregate classification (germline): Uncertain significance (1 of 4 stars; one submission).

Conditions:
Hereditary cancer-predisposing syndrome. Also called: Neoplastic Syndromes, Hereditary; Hereditary Cancer Syndrome; Tumor predisposition; Hereditary neoplastic syndrome. Identifiers: Orphanet 140162, MedGen C0027672, MeSH D009386, MONDO:0015356.

Submission:

Labcorp Genetics (formerly Invitae), Labcorp
Classification: Uncertain significance for Hereditary cancer-predisposing syndrome. Last evaluated: 2023-05-08. Review status: criteria provided, single submitter. Criteria: Invitae Variant Classification Sherloc (09022015). Collection method: clinical testing. Allele origin: germline.
Comment: This sequence change replaces alanine, which is neutral and non-polar, with valine, which is neutral and non-polar, at codon 908 of the RAD50 protein (p.Ala908Val). In summary, the available evidence is currently insufficient to determine the role of this variant in disease. Therefore, it has been classified as a Variant of Uncertain Significance. Advanced modeling of protein sequence and biophysical properties (such as structural, functional, and spatial information, amino acid conservation, physicochemical variation, residue mobility, and thermodynamic stability) performed at Invitae indicates that this missense variant is not expected to disrupt RAD50 protein function. ClinVar contains an entry for this variant (Variation ID: 2067809). This variant has not been reported in the literature in individuals affected with RAD50-related conditions. This variant is not present in population databases (gnomAD no frequency).

NM_005732.4(RAD50):c.2723C>T (p.Ala908Val)

Gene: RAD50 (RAD50 double strand break repair protein; plus strand). Cytogenetic location: 5q31.1.
Variant type: single nucleotide variant.
Coding change: c.2723C>T on transcript NM_005732.4 (MANE Select); coding-DNA position 2723, C replaced by T.
Protein change: p.Ala908Val; replaces alanine 908 with valine.
Molecular consequence: missense variant.
Genome position (GRCh38, 1-based): chr5:132,608,619, C>T. VCF-style: chr5-132608619-C-T. GRCh37 (hg19) VCF-style: chr5-131944311-C-T.
Other names: short protein forms A908V.
Identifiers: ClinVar variation 2067809 (VCV002067809.4), dbSNP rs2479369877, ClinGen allele CA360958478.